The following is an entry in ClinVar:

NM_000245.4(MET):c.1582C>T (p.Gln528Ter)

Gene: MET (MET proto-oncogene, receptor tyrosine kinase; plus strand). Cytogenetic location: 7q31.2.
Variant type: single nucleotide variant.
Coding change: c.1582C>T on transcript NM_000245.4 (MANE Select); coding-DNA position 1582, C replaced by T.
Protein change: p.Gln528Ter; replaces glutamine 528 with a stop codon.
Molecular consequence: nonsense.
Genome position (GRCh38, 1-based): chr7:116,740,906, C>T. VCF-style: chr7-116740906-C-T. GRCh37 (hg19) VCF-style: chr7-116380960-C-T.
Other names: c.1582C>T, p.Gln528Ter (NM_001127500.3, NM_001324401.3); c.292C>T, p.Gln98Ter (NM_001324402.2); short protein forms Q528*, Q98*.
Identifiers: ClinVar variation 2697408 (VCV002697408.3), dbSNP rs2116835200, ClinGen allele CA368975281.

ClinVar aggregate classification (germline): Uncertain significance (1 of 4 stars; one submission).

Conditions:
Renal cell carcinoma. Identifiers: Orphanet 217071, MedGen C0007134, MeSH D002292, MONDO:0005086, HP:0005584.

Submission:

Labcorp Genetics (formerly Invitae), Labcorp
Classification: Uncertain significance for Renal cell carcinoma. Last evaluated: 2023-11-19. Review status: criteria provided, single submitter. Criteria: Invitae Variant Classification Sherloc (09022015). Collection method: clinical testing. Allele origin: germline.
Comment: This sequence change creates a premature translational stop signal (p.Gln528*) in the MET gene. It is expected to result in an absent or disrupted protein product. However, the current clinical and genetic evidence is not sufficient to establish whether loss-of-function variants in MET cause disease. This variant is not present in population databases (gnomAD no frequency). This variant has not been reported in the literature in individuals affected with MET-related conditions. In summary, the available evidence is currently insufficient to determine the role of this variant in disease. Therefore, it has been classified as a Variant of Uncertain Significance.